The following is an entry in ClinVar:

NM_000030.3(AGXT):c.779A>G (p.Tyr260Cys)

Gene: AGXT (alanine--glyoxylate aminotransferase; plus strand). Cytogenetic location: 2q37.3.
Variant type: single nucleotide variant.
Coding change: c.779A>G on transcript NM_000030.3 (MANE Select); coding-DNA position 779, A replaced by G.
Protein change: p.Tyr260Cys; replaces tyrosine 260 with cysteine.
Molecular consequence: missense variant.
Genome position (GRCh38, 1-based): chr2:240,875,937, A>G. VCF-style: chr2-240875937-A-G. GRCh37 (hg19) VCF-style: chr2-241815354-A-G.
Other names: short protein forms Y260C.
Identifiers: ClinVar variation 2664132 (VCV002664132.1), dbSNP rs1430414907, ClinGen allele CA351318292.

ClinVar aggregate classification (germline): Likely pathogenic (1 of 4 stars; one submission).

Conditions:
Primary hyperoxaluria, type I (HP1). Also called: OXALOSIS I; Primary hyperoxaluria type 1; GLYCOLIC ACIDURIA; HEPATIC AGT DEFICIENCY. Identifiers: Orphanet 416, Orphanet 93598, MedGen C0268164, MONDO:0009823, OMIM 259900. Disease mechanism: loss of function.

Allele frequency attached by ClinVar (database versions not stated): gnomAD exomes below 0.00001; gnomAD 0.00001; TOPMed 0.00002.
gnomAD v4.1: 5 of 1,614,034 alleles (0.00031%); highest among the groups gnomAD compares: African/African-American, 0.0027%; no homozygotes.

Submission:

Rare Kidney Stone Consortium and the Mayo Clinic Hyperoxaluria Center, Mayo Clinic
Classification: Likely pathogenic for Primary hyperoxaluria, type I. Last evaluated: 2023-10-27. Review status: criteria provided, single submitter. Criteria: ACMG Guidelines, 2015. Collection method: clinical testing. Allele origin: germline. Affected: yes.
Comment: ACMG:PM2 PP3 PP4 PP5

Literature cited by the submitters: PubMed 25644115.